The following is an entry in ClinVar:

ClinVar aggregate classification (germline): Uncertain significance (1 of 4 stars; one submission).

Conditions:
Familial cancer of breast. Also called: hereditary breast carcinoma; Hereditary breast cancer; BREAST CANCER, FAMILIAL. Identifiers: Orphanet 227535, MedGen C0346153, MONDO:0016419, OMIM 114480. Disease mechanism: loss of function.

Submission:

Labcorp Genetics (formerly Invitae), Labcorp
Classification: Uncertain significance for Familial cancer of breast. Last evaluated: 2024-11-05. Review status: criteria provided, single submitter. Criteria: Invitae Variant Classification Sherloc (09022015). Collection method: clinical testing. Allele origin: germline.
Comment: This sequence change replaces lysine, which is basic and polar, with glutamine, which is neutral and polar, at codon 423 of the BARD1 protein (p.Lys423Gln). This variant is not present in population databases (gnomAD no frequency). This variant has not been reported in the literature in individuals affected with BARD1-related conditions. ClinVar contains an entry for this variant (Variation ID: 1063656). An algorithm developed to predict the effect of missense changes on protein structure and function (PolyPhen-2) suggests that this variant is likely to be disruptive. In summary, the available evidence is currently insufficient to determine the role of this variant in disease. Therefore, it has been classified as a Variant of Uncertain Significance.

NM_000465.4(BARD1):c.1267A>C (p.Lys423Gln)

Gene: BARD1 (BRCA1 associated RING domain 1; minus strand). Cytogenetic location: 2q35.
Variant type: single nucleotide variant.
Coding change: c.1267A>C on transcript NM_000465.4 (MANE Select); coding-DNA position 1267, A replaced by C.
Protein change: p.Lys423Gln; replaces lysine 423 with glutamine.
Molecular consequence: missense variant. On other transcripts: non-coding transcript variant (2), intron variant (3).
Genome position (GRCh38, 1-based): chr2:214,780,607, T>G on the plus strand (A>C on the coding strand, the complement: BARD1 is on the minus strand). VCF-style: chr2-214780607-T-G. GRCh37 (hg19) VCF-style: chr2-215645331-T-G.
Other names: c.1210A>C, p.Lys404Gln (NM_001282543.2); c.159-28052A>C (NM_001282548.2); c.215+16454A>C (NM_001282545.2); c.364+11690A>C (NM_001282549.2); short protein forms K404Q, K423Q.
Identifiers: ClinVar variation 1063656 (VCV001063656.10), dbSNP rs201146688, ClinGen allele CA350453481.